The following is an entry in ClinVar:

ClinVar aggregate classification (germline): Uncertain significance (1 of 4 stars; one submission).

gnomAD v4.1: 2 of 1,614,118 alleles (0.00012%); highest among the groups gnomAD compares: African/African-American, 0.0013%; no homozygotes.

Submission:

Mayo Clinic Laboratories, Mayo Clinic
Classification: Uncertain significance. Last evaluated: 2025-03-05. Review status: criteria provided, single submitter. Criteria: ACMG Guidelines, 2015. Collection method: clinical testing. Allele origin: germline. Observed: 1 variant allele.
Comment: BP4_moderate, PM2_supporting

NM_001349206.2(LPIN1):c.1081C>G (p.Leu361Val)

Gene: LPIN1 (lipin 1; plus strand). Cytogenetic location: 2p25.1.
Variant type: single nucleotide variant.
Coding change: c.1081C>G on transcript NM_001349206.2 (MANE Select); coding-DNA position 1081, C replaced by G.
Protein change: p.Leu361Val; replaces leucine 361 with valine.
Molecular consequence: missense variant. On other transcripts: non-coding transcript variant (1).
Genome position (GRCh38, 1-based): chr2:11,782,324, C>G. VCF-style: chr2-11782324-C-G. GRCh37 (hg19) VCF-style: chr2-11922450-C-G.
Other names: p.Leu325Val; c.991C>G, p.Leu331Val (NM_001261427.3); c.1228C>G, p.Leu410Val (NM_001261428.3); c.973C>G, p.Leu325Val (NM_001349199.2, NM_145693.4, NM_001349200.2 and 1 more transcripts); c.1078C>G, p.Leu360Val (NM_001349202.2, NM_001349203.2); c.1081C>G, p.Leu361Val (NM_001349204.2, NM_001349205.2); c.1171C>G, p.Leu391Val (NM_001349207.2); c.1120C>G, p.Leu374Val (NM_001349208.2); short protein forms L360V, L374V, L331V, L361V, L325V, L391V, L410V.
Identifiers: ClinVar variation 4542534 (VCV004542534.1).